The following is an entry in ClinVar:

ClinVar aggregate classification (germline): Uncertain significance (1 of 4 stars; one submission).

Submission:

GeneDx
Classification: Uncertain significance. Last evaluated: 2024-08-11. Review status: criteria provided, single submitter. Criteria: GeneDx Variant Classification Process June 2021. Collection method: clinical testing. Allele origin: germline. Affected: yes.
Comment: Not observed at significant frequency in large population cohorts (gnomAD); In silico analysis supports that this missense variant has a deleterious effect on protein structure/function; Has not been previously published as pathogenic or benign to our knowledge

NM_138967.4(SCAMP5):c.344A>T (p.Gln115Leu)

Gene: SCAMP5 (secretory carrier membrane protein 5; plus strand). Cytogenetic location: 15q24.2.
Variant type: single nucleotide variant.
Coding change: c.344A>T on transcript NM_138967.4 (MANE Select); coding-DNA position 344, A replaced by T.
Protein change: p.Gln115Leu; replaces glutamine 115 with leucine.
Molecular consequence: missense variant. On other transcripts: non-coding transcript variant (1).
Genome position (GRCh38, 1-based): chr15:75,017,920, A>T. VCF-style: chr15-75017920-A-T. GRCh37 (hg19) VCF-style: chr15-75310261-A-T.
Other names: c.344A>T, p.Gln115Leu (NM_001178111.2, NM_001178112.2); short protein forms Q115L.
Identifiers: ClinVar variation 3730986 (VCV003730986.1).